The following is an entry in ClinVar:

NM_000264.5(PTCH1):c.332C>T (p.Ala111Val)

Gene: PTCH1 (patched 1; minus strand). Cytogenetic location: 9q22.32.
Variant type: single nucleotide variant.
Coding change: c.332C>T on transcript NM_000264.5 (MANE Select); coding-DNA position 332, C replaced by T.
Protein change: p.Ala111Val; replaces alanine 111 with valine.
Molecular consequence: missense variant. On other transcripts: 5 prime UTR variant (4), non-coding transcript variant (1).
Genome position (GRCh38, 1-based): chr9:95,506,469, G>A on the plus strand (C>T on the coding strand, the complement: PTCH1 is on the minus strand). VCF-style: chr9-95506469-G-A. GRCh37 (hg19) VCF-style: chr9-98268751-G-A.
Other names: c.134C>T, p.Ala45Val (NM_001083602.3, NM_001354919.2); c.329C>T, p.Ala110Val (NM_001083603.3); c.-122C>T (NM_001083604.3, NM_001083605.3, NM_001083606.3 and 1 more transcripts); c.332C>T, p.Ala111Val (NM_001354918.2); short protein forms A45V, A110V, A111V.
Identifiers: ClinVar variation 1730290 (VCV001730290.2), dbSNP rs2538382702, ClinGen allele CA374120259.

ClinVar aggregate classification (germline): Uncertain significance (1 of 4 stars; one submission).

Conditions:
Hereditary cancer-predisposing syndrome. Also called: Neoplastic Syndromes, Hereditary; Tumor predisposition; Hereditary Cancer Syndrome; Hereditary neoplastic syndrome. Identifiers: Orphanet 140162, MedGen C0027672, MeSH D009386, MONDO:0015356.

Submission:

Ambry Genetics
Classification: Uncertain significance for Hereditary cancer-predisposing syndrome. Last evaluated: 2021-12-01. Review status: criteria provided, single submitter. Criteria: Ambry Variant Classification Scheme 2023. Collection method: clinical testing. Allele origin: germline.
Comment: The p.A111V variant (also known as c.332C>T), located in coding exon 2 of the PTCH1 gene, results from a C to T substitution at nucleotide position 332. The alanine at codon 111 is replaced by valine, an amino acid with similar properties. This amino acid position is highly conserved in available vertebrate species. In addition, this alteration is predicted to be deleterious by in silico analysis. Since supporting evidence is limited at this time, the clinical significance of this alteration remains unclear.